The following is an entry in ClinVar:

NM_017635.5(KMT5B):c.820+1G>C

Gene: KMT5B (lysine methyltransferase 5B; minus strand). Cytogenetic location: 11q13.2.
Variant type: single nucleotide variant.
Coding change: c.820+1G>C on transcript NM_017635.5 (MANE Select); the canonical splice donor site of the intron after coding-DNA position 820, G replaced by C.
Molecular consequence: splice donor variant.
Genome position (GRCh38, 1-based): chr11:68,171,542, C>G on the plus strand (G>C on the coding strand, the complement: KMT5B is on the minus strand). VCF-style: chr11-68171542-C-G. GRCh37 (hg19) VCF-style: chr11-67939009-C-G.
Other names: c.304+1G>C (NM_001369430.1, NM_001369432.1, NM_001369428.1 and 5 more transcripts); c.100+1G>C (NM_001300908.2); c.820+1G>C (NM_001369426.1, NM_001363566.2, NM_001369427.1 and 1 more transcripts); c.607+1G>C (NM_001369425.1); c.751+1G>C (NM_001300909.2).
Identifiers: ClinVar variation 4851591 (VCV004851591.1).

ClinVar aggregate classification (germline): Likely pathogenic (1 of 4 stars; one submission).

Conditions:
Intellectual developmental disorder, autosomal dominant 51. Also called: MENTAL RETARDATION, AUTOSOMAL DOMINANT 51; Intellectual disability, autosomal dominant 51. Identifiers: Orphanet 684226, MedGen C4540474, MONDO:0030917, OMIM 617788.

Submission:

CGC Genetics, Unilabs
Classification: Likely pathogenic for Intellectual developmental disorder, autosomal dominant 51. Last evaluated: 2025-11-11. Review status: criteria provided, single submitter. Criteria: ACMG Guidelines, 2015. Collection method: clinical testing. Allele origin: germline. Inheritance: Autosomal dominant inheritance. Affected: yes. Observed: 1 variant allele.
Comment: The NM_017635.5:c.820+1G>C p.? variant, detected in heterozygosity in the intron 7 (of 11 exons) of the KMT5B (chr.11) is not described in the literature nor in the gnomAD and ClinVar databases. This variant is located at a canonical splice donor site in intron 7 and is therefore predicted to affect the correct splicing of exon 7. With the available information, this should be classified as a likely pathogenic variant.